The following is an entry in ClinVar:

ClinVar aggregate classification (germline): Uncertain significance (1 of 4 stars; one submission).

Conditions:
Autosomal dominant nocturnal frontal lobe epilepsy 5. Also called: KCNT1-Related Epilepsy; CILIARY DYSKINESIA, PRIMARY, 28, WITHOUT SITUS INVERSUS; CILIARY DYSKINESIA, PRIMARY, 28, WITH SITUS INVERSUS; Epilepsy, nocturnal frontal lobe, 5. Identifiers: Orphanet 98784, MedGen C3554306, MONDO:0014002, OMIM 615005.
Developmental and epileptic encephalopathy, 14 (DEE14). Also called: Early infantile epileptic encephalopathy 14. Identifiers: Orphanet 293181, MedGen C3554195, MONDO:0013989, OMIM 614959.

gnomAD v4.1: 1 of 1,610,984 alleles (0.000062%); no homozygotes.

Submission:

Labcorp Genetics (formerly Invitae), Labcorp
Classification: Uncertain significance for Autosomal dominant nocturnal frontal lobe epilepsy 5; Developmental and epileptic encephalopathy, 14. Last evaluated: 2024-08-19. Review status: criteria provided, single submitter. Criteria: Invitae Variant Classification Sherloc (09022015). Collection method: clinical testing. Allele origin: germline.
Comment: This sequence change replaces valine, which is neutral and non-polar, with alanine, which is neutral and non-polar, at codon 1075 of the KCNT1 protein (p.Val1075Ala). This variant is present in population databases (no rsID available, gnomAD 0.005%). This variant has not been reported in the literature in individuals affected with KCNT1-related conditions. Invitae Evidence Modeling of protein sequence and biophysical properties (such as structural, functional, and spatial information, amino acid conservation, physicochemical variation, residue mobility, and thermodynamic stability) indicates that this missense variant is not expected to disrupt KCNT1 protein function with a negative predictive value of 80%. In summary, the available evidence is currently insufficient to determine the role of this variant in disease. Therefore, it has been classified as a Variant of Uncertain Significance.

NM_020822.3(KCNT1):c.3224T>C (p.Val1075Ala)

Gene: KCNT1 (potassium sodium-activated channel subfamily T member 1; plus strand). Cytogenetic location: 9q34.3.
Variant type: single nucleotide variant.
Coding change: c.3224T>C on transcript NM_020822.3 (MANE Select); coding-DNA position 3224, T replaced by C.
Protein change: p.Val1075Ala; replaces valine 1075 with alanine.
Molecular consequence: missense variant.
Genome position (GRCh38, 1-based): chr9:135,786,243, T>C. VCF-style: chr9-135786243-T-C. GRCh37 (hg19) VCF-style: chr9-138678089-T-C.
Other names: c.3089T>C, p.Val1030Ala (NM_001272003.2); short protein forms V1030A, V1075A.
Identifiers: ClinVar variation 3751554 (VCV003751554.2).